The following is an entry in ClinVar:

NM_005996.4(TBX3):c.309C>T (p.Pro103=)

Genes: TBX3 (T-box transcription factor 3; minus strand), TBX3-AS1 (TBX3 antisense RNA 1; plus strand). Cytogenetic location: 12q24.21.
Variant type: single nucleotide variant.
Coding change: c.309C>T on transcript NM_005996.4 (MANE Select); coding-DNA position 309, C replaced by T.
Protein change: p.Pro103=; no amino-acid change (proline 103 retained).
Molecular consequence: synonymous variant.
Genome position (GRCh38, 1-based): chr12:114,682,892, G>A on the plus strand (C>T on the coding strand, the complement: TBX3 is on the minus strand). VCF-style: chr12-114682892-G-A. GRCh37 (hg19) VCF-style: chr12-115120697-G-A.
Other names: c.309C>T (NM_016569.3); c.309C>T, p.Pro103= (NM_016569.4).
Identifiers: ClinVar variation 881883 (VCV000881883.8), dbSNP rs534364535, ClinGen allele CA6810225.

ClinVar aggregate classification (germline): Benign/Likely benign. Review status: criteria provided, multiple submitters, no conflicts (2 of 4 stars). 4 submissions from 4 submitters: Benign (2); Likely benign (2). Last evaluated 2025-12-18.

Conditions:
Ulnar-mammary syndrome (UMS). Also called: Ulnar-mammary syndrome of Pallister; PALLISTER ULNAR-MAMMARY SYNDROME; SCHINZEL SYNDROME. Identifiers: Orphanet 3138, MedGen C1866994, MONDO:0008411, OMIM 181450.
TBX3-related disorder. Also called: TBX3-related condition.

Allele frequency attached by ClinVar (database versions not stated): gnomAD 0.00001 and 0.00005; TOPMed 0.00001; gnomAD exomes 0.00007 and 0.00014; 1000 Genomes Project 30x 0.00016; ExAC 0.00017; 1000 Genomes Project 0.00020.
gnomAD v4.1: 102 of 1,614,200 alleles (0.0063%); highest among the groups gnomAD compares: South Asian, 0.1%; 2 homozygotes.

Submissions (4):

Labcorp Genetics (formerly Invitae), Labcorp
Classification: Benign for Ulnar-mammary syndrome. Last evaluated: 2025-12-18. Review status: criteria provided, single submitter. Criteria: Invitae Variant Classification Sherloc (09022015). Collection method: clinical testing. Allele origin: germline.

PreventionGenetics, part of Exact Sciences
Classification: Likely benign for TBX3-related condition. Last evaluated: 2025-04-29. Review status: criteria provided, single submitter. Criteria: ACMG Guidelines, 2015. Collection method: clinical testing. Allele origin: germline.
Comment: This variant is classified as likely benign based on ACMG/AMP sequence variant interpretation guidelines (Richards et al. 2015 PMID: 25741868, with internal and published modifications).

Blueprint Genetics
Classification: Likely benign. Last evaluated: 2024-03-13. Review status: criteria provided, single submitter. Criteria: ACMG Guidelines, 2015. Collection method: clinical testing. Allele origin: germline.

Illumina Laboratory Services, Illumina
Classification: Benign for Ulnar-mammary syndrome. Last evaluated: 2018-01-12. Review status: criteria provided, single submitter. Criteria: ICSL Variant Classification Criteria 13 December 2019. Collection method: clinical testing. Allele origin: germline.
Comment: This variant was observed in the ICSL laboratory as part of a predisposition screen in an ostensibly healthy population. It had not been previously curated by ICSL or reported in the Human Gene Mutation Database (HGMD: prior to June 1st, 2018), and was therefore a candidate for classification through an automated scoring system. Utilizing variant allele frequency, disease prevalence and penetrance estimates, and inheritance mode, an automated score was calculated to assess if this variant is too frequent to cause the disease. Based on the score and internal cut-off values, a variant classified as benign is not then subjected to further curation. The score for this variant resulted in a classification of benign for this disease.